The following is an entry in ClinVar:

ClinVar aggregate classification (germline): Benign. Review status: criteria provided, multiple submitters, no conflicts (2 of 4 stars). 3 submissions from 3 submitters: Benign (3). Last evaluated 2026-02-03.

Allele frequency attached by ClinVar (database versions not stated): gnomAD exomes 0.00357 and 0.00949; ExAC 0.01414; gnomAD 0.03429 and 0.03671; 1000 Genomes Project 0.03734; TOPMed 0.03917; 1000 Genomes Project 30x 0.03935; ESP Exome Variant Server 0.04154.

Submissions (3):

Labcorp Genetics (formerly Invitae), Labcorp
Classification: Benign. Last evaluated: 2026-02-03. Review status: criteria provided, single submitter. Criteria: Invitae Variant Classification Sherloc (09022015). Collection method: clinical testing. Allele origin: germline.

GeneDx
Classification: Benign. Last evaluated: 2016-03-03. Review status: criteria provided, single submitter. Criteria: GeneDx Variant Classification (06012015). Collection method: clinical testing. Allele origin: germline. Affected: yes.
Comment: This variant is considered likely benign or benign based on one or more of the following criteria: it is a conservative change, it occurs at a poorly conserved position in the protein, it is predicted to be benign by multiple in silico algorithms, and/or has population frequency not consistent with disease.

Breakthrough Genomics
Classification: Benign. Review status: criteria provided, single submitter. Criteria: ACMG Guidelines, 2015. Collection method: not provided. Allele origin: germline. Inheritance: Autosomal recessive inheritance. Affected: yes.

NM_004092.4(ECHS1):c.228C>T (p.Phe76=)

Gene: ECHS1 (enoyl-CoA hydratase, short chain 1; minus strand). Cytogenetic location: 10q26.3.
Variant type: single nucleotide variant.
Coding change: c.228C>T on transcript NM_004092.4 (MANE Select); coding-DNA position 228, C replaced by T.
Protein change: p.Phe76=; no amino-acid change (phenylalanine 76 retained).
Molecular consequence: synonymous variant.
Genome position (GRCh38, 1-based): chr10:133,370,618, G>A on the plus strand (C>T on the coding strand, the complement: ECHS1 is on the minus strand). VCF-style: chr10-133370618-G-A. GRCh37 (hg19) VCF-style: chr10-135184122-G-A.
Identifiers: ClinVar variation 380522 (VCV000380522.10), dbSNP rs2230260, ClinGen allele CA5765849.
Genomic context (GRCh38, chr10:133,370,618, plus strand): 5'-ACCTGCAAAGGCCTTATCCCCGCCGGTGAGGACAATGGCCCCCACGGCCGGGTCCTCCTC[G>A]AAGGTCTTCAGGGCCTGGTTGAGCTCGTCAATCAGGCCATCGCAAAGTGCATTGAGGGCC-3'
Protein context (NP_004083.3, residues 66-86): IDELNQALKT[Phe76=]EEDPAVGAIV